The following is an entry in ClinVar:

ClinVar aggregate classification (germline): Conflicting classifications of pathogenicity. Review status: criteria provided, conflicting classifications (1 of 4 stars). 9 submissions from 9 submitters: Uncertain significance (1); Likely benign (4). 4 of the submissions do not count toward it. Last evaluated 2026-01-05.

Conditions:
Cardiovascular phenotype. Identifiers: MedGen CN230736.
Duchenne muscular dystrophy (DMD). Also called: MUSCULAR DYSTROPHY, PSEUDOHYPERTROPHIC PROGRESSIVE, DUCHENNE TYPE; Duchenne Muscular Dystrophy (DMD). Identifiers: Orphanet 98896, MedGen C0013264, MONDO:0010679, OMIM 310200.
DMD-related disorder. Also called: DMD-related condition.
Cardiomyopathy (CMYO). Also called: Cardiomyopathies. Identifiers: Orphanet 167848, MedGen C0878544, MONDO:0004994, HP:0001638. Inheritance: Various modes of inheritance.
Becker muscular dystrophy (BMD). Also called: MUSCULAR DYSTROPHY, PSEUDOHYPERTROPHIC PROGRESSIVE, BECKER TYPE; Becker Muscular Dystrophy (BMD). Identifiers: Orphanet 98895, MedGen C0917713, MONDO:0010311, OMIM 300376.
Dystrophin deficiency.

Allele frequency attached by ClinVar (database versions not stated): gnomAD exomes 0.00002 and 0.00008; ExAC 0.00004; gnomAD 0.00006 and 0.00007; TOPMed 0.00008; ESP Exome Variant Server 0.00009.
gnomAD v4.1: 91 of 1,207,008 alleles (0.0075%); highest among the groups gnomAD compares: Non-Finnish European, 0.0091%; no homozygotes.

Submissions (9):

Labcorp Genetics (formerly Invitae), Labcorp
Classification: Likely benign for Duchenne muscular dystrophy. Last evaluated: 2026-01-05. Review status: criteria provided, single submitter. Criteria: Invitae Variant Classification Sherloc (09022015). Collection method: clinical testing. Allele origin: germline.

Blueprint Genetics
Classification: Likely benign. Last evaluated: 2024-06-10. Review status: criteria provided, single submitter. Criteria: ACMG Guidelines, 2015. Collection method: clinical testing. Allele origin: germline.

Ambry Genetics
Classification: Likely benign for Cardiovascular phenotype. Last evaluated: 2019-07-14. Review status: criteria provided, single submitter. Criteria: Ambry Variant Classification Scheme 2023. Collection method: clinical testing. Allele origin: germline.

GeneDx
Classification: Likely benign. Last evaluated: 2019-04-16. Review status: criteria provided, single submitter. Criteria: GeneDx Variant Classification Process June 2021. Collection method: clinical testing. Allele origin: germline. Affected: yes.

Eurofins Ntd Llc (ga)
Classification: Uncertain significance. Last evaluated: 2018-02-09. Review status: criteria provided, single submitter. Criteria: EGL ClinVar v180209 classification definitions. Collection method: clinical testing. Allele origin: germline. Observed: 3 variant alleles, 3 heterozygotes.

Natera, Inc.
Classification: Likely benign for Becker muscular dystrophy; Cardiomyopathy; Duchenne muscular dystrophy; Dystrophin deficiency. Last evaluated: 2019-07-02. Review status: no assertion criteria provided. Collection method: clinical testing. Allele origin: germline. Not counted in ClinVar's aggregate classification.

PreventionGenetics, part of Exact Sciences
Classification: Likely benign for DMD-related condition. Last evaluated: 2019-06-12. Review status: no assertion criteria provided. Collection method: clinical testing. Allele origin: germline. Not counted in ClinVar's aggregate classification.
Comment: This variant is classified as likely benign based on ACMG/AMP sequence variant interpretation guidelines (Richards et al. 2015 PMID: 25741868, with internal and published modifications).

Clinical Genetics DNA and cytogenetics Diagnostics Lab, Erasmus MC, Erasmus Medical Center
Classification: Likely benign. Review status: no assertion criteria provided. Collection method: clinical testing. Allele origin: germline. Affected: yes. Study: VKGL Data-share Consensus. Not counted in ClinVar's aggregate classification.

Genome Diagnostics Laboratory, University Medical Center Utrecht
Classification: Likely benign. Review status: no assertion criteria provided. Collection method: clinical testing. Allele origin: germline. Affected: yes. Study: VKGL Data-share Consensus. Not counted in ClinVar's aggregate classification.

NM_004006.3(DMD):c.9093C>T (p.Val3031=)

Gene: DMD (dystrophin; minus strand). Cytogenetic location: Xp21.2.
Variant type: single nucleotide variant.
Coding change: c.9093C>T on transcript NM_004006.3 (MANE Select); coding-DNA position 9093, C replaced by T.
Protein change: p.Val3031=; no amino-acid change (valine 3031 retained).
Molecular consequence: synonymous variant.
Genome position (GRCh38, 1-based): chrX:31,348,626, G>A on the plus strand (C>T on the coding strand, the complement: DMD is on the minus strand). VCF-style: chrX-31348626-G-A. GRCh37 (hg19) VCF-style: chrX-31366743-G-A.
Other names: c.9069C>T, p.Val3023= (NM_000109.4); c.9081C>T, p.Val3027= (NM_004009.3); c.8724C>T, p.Val2908= (NM_004010.3); c.5070C>T, p.Val1690= (NM_004011.4); c.5061C>T, p.Val1687= (NM_004012.4); c.1713C>T, p.Val571= (NM_004013.3, NM_004020.4, NM_004021.3 and 2 more transcripts); c.906C>T, p.Val302= (NM_004014.3).
Identifiers: ClinVar variation 286182 (VCV000286182.25), dbSNP rs72466563, ClinGen allele CA10377912.